The following is an entry in ClinVar:

NM_006939.4(SOS2):c.3641A>T (p.Asp1214Val)

Gene: SOS2 (SOS Ras/Rho guanine nucleotide exchange factor 2; minus strand). Cytogenetic location: 14q21.3.
Variant type: single nucleotide variant.
Coding change: c.3641A>T on transcript NM_006939.4 (MANE Select); coding-DNA position 3641, A replaced by T.
Protein change: p.Asp1214Val; replaces aspartic acid 1214 with valine.
Molecular consequence: missense variant.
Genome position (GRCh38, 1-based): chr14:50,118,702, T>A on the plus strand (A>T on the coding strand, the complement: SOS2 is on the minus strand). VCF-style: chr14-50118702-T-A. GRCh37 (hg19) VCF-style: chr14-50585420-T-A.
Other names: c.3641A>T (NM_006939.2); short protein forms D1214V.
Identifiers: ClinVar variation 1396080 (VCV001396080.7), dbSNP rs772043913, ClinGen allele CA7176735.

ClinVar aggregate classification (germline): Conflicting classifications of pathogenicity. Review status: criteria provided, conflicting classifications (1 of 4 stars). 2 submissions from 2 submitters: Uncertain significance (1); Benign (1). Last evaluated 2025-10-21.

Conditions:
Cardiovascular phenotype. Identifiers: MedGen CN230736.
Noonan syndrome 9 (NS9). Identifiers: Orphanet 648, MedGen C4225282, MONDO:0014691, OMIM 616559.

Allele frequency attached by ClinVar (database versions not stated): gnomAD exomes below 0.00001; ExAC 0.00001; gnomAD 0.00002.
gnomAD v4.1: 8 of 1,612,962 alleles (0.0005%); highest among the groups gnomAD compares: African/African-American, 0.0094%; no homozygotes.

Submissions (2):

Labcorp Genetics (formerly Invitae), Labcorp
Classification: Benign for Noonan syndrome 9. Last evaluated: 2025-10-21. Review status: criteria provided, single submitter. Criteria: Invitae Variant Classification Sherloc (09022015). Collection method: clinical testing. Allele origin: germline.

Ambry Genetics
Classification: Uncertain significance for Cardiovascular phenotype. Last evaluated: 2024-04-04. Review status: criteria provided, single submitter. Criteria: Ambry Variant Classification Scheme 2023. Collection method: clinical testing. Allele origin: germline.
Comment: The p.D1214V variant (also known as c.3641A>T), located in coding exon 23 of the SOS2 gene, results from an A to T substitution at nucleotide position 3641. The aspartic acid at codon 1214 is replaced by valine, an amino acid with highly dissimilar properties. This amino acid position is conserved. In addition, the in silico prediction for this alteration is inconclusive. Based on the available evidence, the clinical significance of this variant remains unclear.